The following is an entry in ClinVar:

NM_017763.6(RNF43):c.684G>C (p.Arg228Ser)

Gene: RNF43 (ring finger protein 43; minus strand). Cytogenetic location: 17q22.
Variant type: single nucleotide variant.
Coding change: c.684G>C on transcript NM_017763.6 (MANE Select); coding-DNA position 684, G replaced by C.
Protein change: p.Arg228Ser; replaces arginine 228 with serine.
Molecular consequence: missense variant.
Genome position (GRCh38, 1-based): chr17:58,362,547, C>G on the plus strand (G>C on the coding strand, the complement: RNF43 is on the minus strand). VCF-style: chr17-58362547-C-G. GRCh37 (hg19) VCF-style: chr17-56439908-C-G.
Other names: c.684G>C, p.Arg228Ser (NM_001305544.3); c.303G>C, p.Arg101Ser (NM_001305545.2); short protein forms R228S, R101S.
Identifiers: ClinVar variation 3946820 (VCV003946820.1).

ClinVar aggregate classification (germline): Uncertain significance (1 of 4 stars; one submission).

gnomAD v4.1: 2 of 1,608,872 alleles (0.00012%); highest among the groups gnomAD compares: Non-Finnish European, 0.00017%; no homozygotes.

Submission:

Ambry Genetics
Classification: Uncertain significance. Last evaluated: 2025-03-17. Review status: criteria provided, single submitter. Criteria: Ambry Variant Classification Scheme 2023. Collection method: clinical testing. Allele origin: germline.
Comment: The p.R228S variant (also known as c.684G>C), located in coding exon 5 of the RNF43 gene, results from a G to C substitution at nucleotide position 684. The arginine at codon 228 is replaced by serine, an amino acid with dissimilar properties. This amino acid position is conserved. In addition, this alteration is predicted to be tolerated by in silico analysis. Based on the available evidence, the clinical significance of this variant remains unclear.